The following is an entry in ClinVar:

ClinVar aggregate classification (germline): Uncertain significance. Review status: criteria provided, multiple submitters, no conflicts (2 of 4 stars). 2 submissions from 2 submitters: Uncertain significance (2). Last evaluated 2025-04-28.

Conditions:
Hereditary nonpolyposis colorectal neoplasms. Identifiers: MedGen C0009405, MeSH D003123.
Hereditary cancer-predisposing syndrome. Also called: Neoplastic Syndromes, Hereditary; Tumor predisposition; Hereditary Cancer Syndrome; Hereditary neoplastic syndrome. Identifiers: Orphanet 140162, MedGen C0027672, MeSH D009386, MONDO:0015356.

Submissions (2):

Color Diagnostics, LLC DBA Color Health
Classification: Uncertain significance for Hereditary cancer-predisposing syndrome. Last evaluated: 2025-04-28. Review status: criteria provided, single submitter. Criteria: ACMG Guidelines, 2015. Collection method: clinical testing. Allele origin: germline.
Comment: This missense variant replaces asparagine with lysine at codon 1017 of the MSH6 protein. Computational prediction suggests that this variant may not impact protein structure and function. To our knowledge, functional studies have not been reported for this variant. This variant has not been reported in individuals affected with MSH6-related disorders in the literature. This variant has not been identified in the general population by the Genome Aggregation Database (gnomAD). The available evidence is insufficient to determine the role of this variant in disease conclusively. Therefore, this variant is classified as a Variant of Uncertain Significance.

Labcorp Genetics (formerly Invitae), Labcorp
Classification: Uncertain significance for Hereditary nonpolyposis colorectal neoplasms. Last evaluated: 2024-08-21. Review status: criteria provided, single submitter. Criteria: Invitae Variant Classification Sherloc (09022015). Collection method: clinical testing. Allele origin: germline.
Comment: This sequence change replaces asparagine, which is neutral and polar, with lysine, which is basic and polar, at codon 1017 of the MSH6 protein (p.Asn1017Lys). This variant is not present in population databases (gnomAD no frequency). This variant has not been reported in the literature in individuals affected with MSH6-related conditions. Invitae Evidence Modeling of protein sequence and biophysical properties (such as structural, functional, and spatial information, amino acid conservation, physicochemical variation, residue mobility, and thermodynamic stability) indicates that this missense variant is not expected to disrupt MSH6 protein function with a negative predictive value of 95%. In summary, the available evidence is currently insufficient to determine the role of this variant in disease. Therefore, it has been classified as a Variant of Uncertain Significance.

NM_000179.3(MSH6):c.3051T>A (p.Asn1017Lys)

Gene: MSH6 (mutS homolog 6; plus strand). Cytogenetic location: 2p16.3.
Variant type: single nucleotide variant.
Coding change: c.3051T>A on transcript NM_000179.3 (MANE Select); coding-DNA position 3051, T replaced by A.
Protein change: p.Asn1017Lys; replaces asparagine 1017 with lysine.
Molecular consequence: missense variant. On other transcripts: non-coding transcript variant (5), intron variant (2).
Genome position (GRCh38, 1-based): chr2:47,801,034, T>A. VCF-style: chr2-47801034-T-A. GRCh37 (hg19) VCF-style: chr2-48028173-T-A.
Other names: c.3051T>A, p.Asn1017Lys (NM_001406796.1, NM_001406798.1, NM_001406800.1 and 2 more transcripts); c.2661T>A, p.Asn887Lys (NM_001281492.2); c.2145T>A, p.Asn715Lys (NM_001281493.2, NM_001281494.2, NM_001406811.1 and 6 more transcripts); c.3147T>A, p.Asn1049Lys (NM_001406795.1, NM_001406802.1); c.2754T>A, p.Asn918Lys (NM_001406797.1, NM_001406801.1, NM_001406805.1 and 10 more transcripts); c.2526T>A, p.Asn842Lys (NM_001406799.1, NM_001406806.1, NM_001406807.1); c.2973T>A, p.Asn991Lys (NM_001406804.1); c.3057T>A, p.Asn1019Lys (NM_001406813.1); and 4 more; short protein forms N1019K, N918K, N961K, N1017K, N1049K, N715K, N842K, N991K.
Identifiers: ClinVar variation 3633963 (VCV003633963.3).